The following is an entry in ClinVar:

NM_005359.6(SMAD4):c.54C>T (p.Ser18=)

Gene: SMAD4 (SMAD family member 4; plus strand). Cytogenetic location: 18q21.2.
Variant type: single nucleotide variant.
Coding change: c.54C>T on transcript NM_005359.6 (MANE Select); coding-DNA position 54, C replaced by T.
Protein change: p.Ser18=; no amino-acid change (serine 18 retained).
Molecular consequence: synonymous variant.
Genome position (GRCh38, 1-based): chr18:51,047,100, C>T. VCF-style: chr18-51047100-C-T. GRCh37 (hg19) VCF-style: chr18-48573470-C-T.
Identifiers: ClinVar variation 825778 (VCV000825778.5), dbSNP rs1599181066, ClinGen allele CA503873416.

ClinVar aggregate classification (germline): Benign/Likely benign. Review status: criteria provided, multiple submitters, no conflicts (2 of 4 stars). 2 submissions from 2 submitters: Benign (1); Likely benign (1). Last evaluated 2025-03-18.

Conditions:
Familial thoracic aortic aneurysm and aortic dissection (TAAD). Also called: Thoracic aortic aneurysms and dissections. Identifiers: Orphanet 91387, MedGen C4707243, MONDO:0019625.
Hereditary cancer-predisposing syndrome. Also called: Neoplastic Syndromes, Hereditary; Hereditary neoplastic syndrome; Hereditary Cancer Syndrome; Tumor predisposition. Identifiers: Orphanet 140162, MedGen C0027672, MeSH D009386, MONDO:0015356.
Juvenile polyposis/hereditary hemorrhagic telangiectasia syndrome (JPHT). Also called: JP/HHT SYNDROME; JUVENILE POLYPOSIS WITH HEREDITARY HEMORRHAGIC TELANGIECTASIA; POLYPOSIS, GENERALIZED JUVENILE, WITH PULMONARY ARTERIOVENOUS MALFORMATION; TELANGIECTASIA, HEREDITARY HEMORRHAGIC, WITH JUVENILE POLYPOSIS COLI; Juvenile Polyposis Syndrome / Hereditary Hemorrhagic Telangiectasia (JPS/HHT). Identifiers: Orphanet 2929, MedGen C1832942, MONDO:0008278, OMIM 175050.

Allele frequency attached by ClinVar (database versions not stated): gnomAD below 0.00001 and 0.00001.
gnomAD v4.1: 1 of 1,613,270 alleles (0.000062%); highest among the groups gnomAD compares: South Asian, 0.0011%; no homozygotes.

Submissions (2):

Myriad Genetics, Inc.
Classification: Benign for Juvenile polyposis/hereditary hemorrhagic telangiectasia syndrome. Last evaluated: 2025-03-18. Review status: criteria provided, single submitter. Criteria: Myriad Autosomal Dominant, Autosomal Recessive and X-Linked Classification Criteria (2023). Collection method: clinical testing. Allele origin: unknown.
Comment: This variant is considered benign. This variant is a silent/synonymous amino acid change and it is not expected to impact splicing.

Ambry Genetics
Classification: Likely benign for Hereditary cancer-predisposing syndrome; Familial thoracic aortic aneurysm and aortic dissection. Last evaluated: 2019-01-17. Review status: criteria provided, single submitter. Criteria: Ambry Variant Classification Scheme 2023. Collection method: clinical testing. Allele origin: germline.